The following is an entry in ClinVar:

ClinVar aggregate classification (germline): Pathogenic/Likely pathogenic. Review status: criteria provided, multiple submitters, no conflicts (2 of 4 stars). 2 submissions from 2 submitters: Pathogenic (1); Likely pathogenic (1). Last evaluated 2023-11-01.

Conditions:
Seizures, benign familial infantile, 2 (BFIS2). Also called: CONVULSIONS, BENIGN FAMILIAL INFANTILE, 2. Identifiers: Orphanet 306, MedGen C1853995, MONDO:0011593, OMIM 605751.

Submissions (2):

CeGaT Center for Human Genetics Tuebingen
Classification: Pathogenic. Last evaluated: 2023-11-01. Review status: criteria provided, single submitter. Criteria: CeGaT Center For Human Genetics Tuebingen Variant Classification Criteria Version 2. Collection method: clinical testing. Allele origin: germline. Affected: yes. Observed: 3 variant alleles.
Comment: PRRT2: PVS1, PM2

MGZ Medical Genetics Center
Classification: Likely pathogenic for Seizures, benign familial infantile, 2. Last evaluated: 2022-01-20. Review status: criteria provided, single submitter. Criteria: ACMG Guidelines, 2015. Collection method: clinical testing. Allele origin: germline. Affected: yes. Observed: 1 variant allele.
Comment: ACMG criteria applied: PVS1, PM2_SUP

NM_145239.3(PRRT2):c.250del (p.Ala84fs)

Genes: MVP-DT (MVP divergent transcript; minus strand), PRRT2 (proline rich transmembrane protein 2; plus strand). Cytogenetic location: 16p11.2.
Variant type: Deletion.
Coding change: c.250del on transcript NM_145239.3 (MANE Select); coding-DNA position 250, one base deleted (G; older notation c.250delG).
Protein change: p.Ala84fs; shifts the reading frame from alanine 84.
Molecular consequence: frameshift variant.
Genome position (GRCh38, 1-based): chr16:29,813,304, G deleted; the last of 2 consecutive G bases (chr16:29,813,303-29,813,304); deleting either gives the same sequence. VCF-style (leftmost placement, unchanged base first): chr16-29813302-AG-A. GRCh37 (hg19) VCF-style: chr16-29824623-AG-A.
Other names: c.250del, p.Ala84fs (NM_001256442.2, NM_001256443.2); short protein forms A84fs.
Identifiers: ClinVar variation 1694791 (VCV001694791.33), dbSNP rs2142423353, ClinGen allele CA2580091447.